The following is an entry in ClinVar:

ClinVar aggregate classification (germline): Uncertain significance. Review status: criteria provided, multiple submitters, no conflicts (2 of 4 stars). 4 submissions from 4 submitters: Uncertain significance (3). 1 of the submissions does not count toward it. Last evaluated 2024-11-26.

Conditions:
NSMCE3-related disorder. Also called: NSMCE3-related condition.

Allele frequency attached by ClinVar (database versions not stated): 1000 Genomes Project 0.00040; 1000 Genomes Project 30x 0.00062; gnomAD 0.00080; ExAC 0.00084; gnomAD exomes 0.00093; TOPMed 0.00111.
gnomAD v4.1: 1,460 of 1,561,628 alleles (0.093%); highest among the groups gnomAD compares: Admixed American, 0.14%; no homozygotes.

Submissions (4):

Blueprint Genetics
Classification: Uncertain significance. Last evaluated: 2024-11-26. Review status: criteria provided, single submitter. Criteria: ACMG Guidelines, 2015. Collection method: clinical testing. Allele origin: germline.

Ambry Genetics
Classification: Uncertain significance. Last evaluated: 2023-12-18. Review status: criteria provided, single submitter. Criteria: Ambry Variant Classification Scheme 2023. Collection method: clinical testing. Allele origin: germline.

Labcorp Genetics (formerly Invitae), Labcorp
Classification: Uncertain significance. Last evaluated: 2021-10-14. Review status: criteria provided, single submitter. Criteria: Invitae Variant Classification Sherloc (09022015). Collection method: clinical testing. Allele origin: germline.
Comment: This sequence change replaces glutamine with proline at codon 14 of the NSMCE3 protein (p.Gln14Pro). The glutamine residue is weakly conserved and there is a moderate physicochemical difference between glutamine and proline. The frequency data for this variant in the population databases is not available, as this variant may be reported as separate entries in the ExAC database. This variant has not been reported in the literature in individuals affected with NSMCE3-related conditions. Algorithms developed to predict the effect of missense changes on protein structure and function output the following: SIFT: "Deleterious"; PolyPhen-2: "Benign"; Align-GVGD: "Class C0". The proline amino acid residue is found in multiple mammalian species, which suggests that this missense change does not adversely affect protein function. In summary, the available evidence is currently insufficient to determine the role of this variant in disease. Therefore, it has been classified as a Variant of Uncertain Significance.

PreventionGenetics, part of Exact Sciences
Classification: Likely benign for NSMCE3-related condition. Last evaluated: 2023-11-22. Review status: no assertion criteria provided. Collection method: clinical testing. Allele origin: germline. Not counted in ClinVar's aggregate classification.
Comment: This variant is classified as likely benign based on ACMG/AMP sequence variant interpretation guidelines (Richards et al. 2015 PMID: 25741868, with internal and published modifications).

NM_138704.4(NSMCE3):c.41A>C (p.Gln14Pro)

Genes: ENTREP2 (endosomal transmembrane epsin interactor 2; minus strand), NSMCE3 (NSE3 component of SMC5/6 complex; minus strand). Cytogenetic location: 15q13.1.
Variant type: single nucleotide variant.
Coding change: c.41A>C on transcript NM_138704.4 (MANE Select); coding-DNA position 41, A replaced by C.
Protein change: p.Gln14Pro; replaces glutamine 14 with proline.
Molecular consequence: missense variant. On other transcripts: intron variant (5).
Genome position (GRCh38, 1-based): chr15:29,269,665, T>G on the plus strand (A>C on the coding strand, the complement: NSMCE3 is on the minus strand). VCF-style: chr15-29269665-T-G. GRCh37 (hg19) VCF-style: chr15-29561869-T-G.
Other names: c.-12-17187A>C (NM_001387217.1, NM_001387215.1, NM_001387216.1); c.277-17187A>C (NM_001387214.1, NM_015307.2); short protein forms Q14P.
Identifiers: ClinVar variation 2045081 (VCV002045081.5), dbSNP rs567740694, ClinGen allele CA7446255.